The following is an entry in ClinVar:

ClinVar aggregate classification (germline): Likely benign. Review status: criteria provided, multiple submitters, no conflicts (2 of 4 stars). 4 submissions from 4 submitters: Likely benign (4). Last evaluated 2026-07-01.

Conditions:
Deafness-lymphedema-leukemia syndrome. Also called: Lymphedema, primary, with myelodysplasia; Emberger syndrome. Identifiers: Orphanet 3226, MedGen C3279664, MONDO:0013540, OMIM 614038.
Monocytopenia with susceptibility to infections. Also called: MONOCYTOPENIA AND MYCOBACTERIAL INFECTION SYNDROME; MONOCYTOPENIA WITH SUSCEPTIBILITY TO MYCOBACTERIAL, FUNGAL, AND PAPILLOMAVIRUS INFECTIONS AND MYELODYSPLASIA; COMBINED IMMUNODEFICIENCY WITH SUSCEPTIBILITY TO MYCOBACTERIAL, VIRAL, AND FUNGAL INFECTIONS; Dendritic cell, monocyte, B lymphocyte, and natural killer lymphocyte deficiency; IMMUNODEFICIENCY 21; GATA2 DEFICIENCY. Identifiers: Orphanet 228423, MedGen C3280030, MONDO:0013607, OMIM 614172.
Inborn genetic diseases. Identifiers: MedGen C0950123, MeSH D030342.

Allele frequency attached by ClinVar (database versions not stated): ExAC 0.00002; gnomAD exomes 0.00002; gnomAD 0.00003; TOPMed 0.00003; ESP Exome Variant Server 0.00008.
gnomAD v4.1: 49 of 1,613,982 alleles (0.003%); highest among the groups gnomAD compares: East Asian, 0.013%; no homozygotes.

Submissions (4):

CeGaT Center for Human Genetics Tuebingen
Classification: Likely benign. Last evaluated: 2026-07-01. Review status: criteria provided, single submitter. Criteria: CeGaT Center For Human Genetics Tuebingen Variant Classification Criteria Version 2. Collection method: clinical testing. Allele origin: germline. Affected: yes. Observed: 1 variant allele.
Comment: GATA2: BP4, BP7

Blueprint Genetics
Classification: Likely benign. Last evaluated: 2024-09-20. Review status: criteria provided, single submitter. Criteria: ACMG Guidelines, 2015. Collection method: clinical testing. Allele origin: germline.

Ambry Genetics
Classification: Likely benign for Inborn genetic diseases. Last evaluated: 2024-08-21. Review status: criteria provided, single submitter. Criteria: Ambry Variant Classification Scheme 2023. Collection method: clinical testing. Allele origin: germline.

Labcorp Genetics (formerly Invitae), Labcorp
Classification: Likely benign for Monocytopenia with susceptibility to infections; Deafness-lymphedema-leukemia syndrome. Last evaluated: 2024-07-02. Review status: criteria provided, single submitter. Criteria: Invitae Variant Classification Sherloc (09022015). Collection method: clinical testing. Allele origin: germline.

NM_032638.5(GATA2):c.1095C>T (p.Asn365=)

Gene: GATA2 (GATA binding protein 2; minus strand). Cytogenetic location: 3q21.3.
Variant type: single nucleotide variant.
Coding change: c.1095C>T on transcript NM_032638.5 (MANE Select); coding-DNA position 1095, C replaced by T.
Protein change: p.Asn365=; no amino-acid change (asparagine 365 retained).
Molecular consequence: synonymous variant.
Genome position (GRCh38, 1-based): chr3:128,481,867, G>A on the plus strand (C>T on the coding strand, the complement: GATA2 is on the minus strand). VCF-style: chr3-128481867-G-A. GRCh37 (hg19) VCF-style: chr3-128200710-G-A.
Other names: c.1095C>T, p.Asn365= (NM_001145661.2); c.1053C>T, p.Asn351= (NM_001145662.1).
Identifiers: ClinVar variation 412756 (VCV000412756.14), dbSNP rs146814201, ClinGen allele CA2599868.
Genomic context (GRCh38, chr3:128,481,867, plus strand): 5'-GGGCGCACTCACATTGTGCAGCTTGTAGTAGAGGCCACAGGCGTTGCAGACAGGGTCCCC[G>A]TTGGCGTTTCGGCGCCATAAGGTGGTGGTTGTCGTCTGACAATTTGCACAACAGGTGCCG-3'
Protein context (NP_116027.2, residues 355-375): TTTTLWRRNA[Asn365=]GDPVCNACGL